The following is an entry in ClinVar:

ClinVar aggregate classification (germline): Uncertain significance (1 of 4 stars; one submission).

Submission:

Labcorp Genetics (formerly Invitae), Labcorp
Classification: Uncertain significance. Last evaluated: 2022-08-19. Review status: criteria provided, single submitter. Criteria: Invitae Variant Classification Sherloc (09022015). Collection method: clinical testing. Allele origin: germline.
Comment: In summary, the available evidence is currently insufficient to determine the role of this variant in disease. Therefore, it has been classified as a Variant of Uncertain Significance. Algorithms developed to predict the effect of missense changes on protein structure and function (SIFT, PolyPhen-2, Align-GVGD) all suggest that this variant is likely to be tolerated. This variant has not been reported in the literature in individuals affected with TOP2B-related conditions. This variant is not present in population databases (gnomAD no frequency). This sequence change replaces isoleucine, which is neutral and non-polar, with valine, which is neutral and non-polar, at codon 1241 of the TOP2B protein (p.Ile1241Val).

NM_001330700.2(TOP2B):c.3736A>G (p.Ile1246Val)

Gene: TOP2B (DNA topoisomerase II beta; minus strand). Cytogenetic location: 3p24.2.
Variant type: single nucleotide variant.
Coding change: c.3736A>G on transcript NM_001330700.2 (MANE Select); coding-DNA position 3736, A replaced by G.
Protein change: p.Ile1246Val; replaces isoleucine 1246 with valine.
Molecular consequence: missense variant.
Genome position (GRCh38, 1-based): chr3:25,612,565, T>C on the plus strand (A>G on the coding strand, the complement: TOP2B is on the minus strand). VCF-style: chr3-25612565-T-C. GRCh37 (hg19) VCF-style: chr3-25654056-T-C.
Other names: c.3721A>G, p.Ile1241Val (NM_001068.3); short protein forms I1246V, I1241V.
Identifiers: ClinVar variation 2129054 (VCV002129054.4), dbSNP rs2529890543, ClinGen allele CA351894733.